The following is an entry in ClinVar:

ClinVar aggregate classification (germline): Likely pathogenic (1 of 4 stars; one submission).

Submission:

GeneDx
Classification: Likely pathogenic. Last evaluated: 2024-11-10. Review status: criteria provided, single submitter. Criteria: GeneDx Variant Classification Process June 2021. Collection method: clinical testing. Allele origin: germline. Affected: yes.
Comment: Frameshift variant predicted to result in protein truncation or nonsense mediated decay in a gene for which loss of function is a known mechanism of disease; Not observed at significant frequency in large population cohorts (gnomAD); Has not been previously published as pathogenic or benign to our knowledge

NM_015570.4(AUTS2):c.79del (p.Arg27fs)

Genes: AUTS2 (activator of transcription and developmental regulator AUTS2; plus strand), LOC129998550 (ATAC-STARR-seq lymphoblastoid silent region 18224; plus strand). Cytogenetic location: 7q11.22.
Variant type: Deletion.
Coding change: c.79del on transcript NM_015570.4 (MANE Select); coding-DNA position 79, one base deleted (C; older notation c.79delC).
Protein change: p.Arg27fs; shifts the reading frame from arginine 27.
Molecular consequence: frameshift variant.
Genome position (GRCh38, 1-based): chr7:69,599,732, C deleted; the last of 3 consecutive C bases (chr7:69,599,730-69,599,732); deleting any one gives the same sequence. VCF-style (leftmost placement, unchanged base first): chr7-69599729-TC-T. GRCh37 (hg19) VCF-style: chr7-69064715-TC-T.
Other names: c.79del, p.Arg27fs (NM_001127231.3, NM_001127232.3); short protein forms R27fs.
Identifiers: ClinVar variation 3898896 (VCV003898896.1).